The following is an entry in ClinVar:

NM_001111.5(ADAR):c.1027G>A (p.Val343Ile)

Gene: ADAR (adenosine deaminase RNA specific; minus strand). Cytogenetic location: 1q21.3.
Variant type: single nucleotide variant.
Coding change: c.1027G>A on transcript NM_001111.5 (MANE Select); coding-DNA position 1027, G replaced by A.
Protein change: p.Val343Ile; replaces valine 343 with isoleucine.
Molecular consequence: missense variant.
Genome position (GRCh38, 1-based): chr1:154,601,615, C>T on the plus strand (G>A on the coding strand, the complement: ADAR is on the minus strand). VCF-style: chr1-154601615-C-T. GRCh37 (hg19) VCF-style: chr1-154574091-C-T.
Other names: c.142G>A, p.Val48Ile (NM_001025107.3, NM_001193495.2, NM_001365046.1 and 3 more transcripts); c.1054G>A, p.Val352Ile (NM_001365045.1); c.1027G>A, p.Val343Ile (NM_015840.4, NM_015841.4); short protein forms V48I, V343I, V352I.
Identifiers: ClinVar variation 2118836 (VCV002118836.4), dbSNP rs2526654840, ClinGen allele CA342598842.

ClinVar aggregate classification (germline): Uncertain significance (1 of 4 stars; one submission).

Conditions:
Symmetrical dyschromatosis of extremities (DSH). Also called: RETICULATE ACROPIGMENTATION OF DOHI; SYMMETRIC DYSCHROMATOSIS OF THE EXTREMITIES; DYSCHROMATOSIS SYMMETRICA HEREDITARIA 1; Dyschromatosis symmetrica hereditaria. Identifiers: Orphanet 41, MedGen C0406775, MONDO:0007483, OMIM 127400.
Aicardi-Goutieres syndrome 6 (AGS6). Identifiers: Orphanet 51, MedGen C3539013, MONDO:0014007, OMIM 615010.

Submission:

Labcorp Genetics (formerly Invitae), Labcorp
Classification: Uncertain significance for Aicardi-Goutieres syndrome 6; Symmetrical dyschromatosis of extremities. Last evaluated: 2024-10-16. Review status: criteria provided, single submitter. Criteria: Invitae Variant Classification Sherloc (09022015). Collection method: clinical testing. Allele origin: germline.
Comment: This sequence change replaces valine, which is neutral and non-polar, with isoleucine, which is neutral and non-polar, at codon 343 of the ADAR protein (p.Val343Ile). This variant is not present in population databases (gnomAD no frequency). This variant has not been reported in the literature in individuals affected with ADAR-related conditions. ClinVar contains an entry for this variant (Variation ID: 2118836). Invitae Evidence Modeling of protein sequence and biophysical properties (such as structural, functional, and spatial information, amino acid conservation, physicochemical variation, residue mobility, and thermodynamic stability) indicates that this missense variant is not expected to disrupt ADAR protein function with a negative predictive value of 80%. In summary, the available evidence is currently insufficient to determine the role of this variant in disease. Therefore, it has been classified as a Variant of Uncertain Significance.